The following is an entry in ClinVar:

ClinVar aggregate classification (germline): Conflicting classifications of pathogenicity. Review status: criteria provided, conflicting classifications (1 of 4 stars). 3 submissions from 3 submitters: Uncertain significance (1); Likely benign (2). Last evaluated 2025-08-20.

Conditions:
Inborn genetic diseases. Identifiers: MedGen C0950123, MeSH D030342.
SLC24A4-related disorder. Also called: SLC24A4-related condition.

Allele frequency attached by ClinVar (database versions not stated): gnomAD exomes 0.00016 and 0.00040; ExAC 0.00054; 1000 Genomes Project 0.00080; 1000 Genomes Project 30x 0.00094; gnomAD 0.00155 and 0.00168; TOPMed 0.00190; ESP Exome Variant Server 0.00223.
gnomAD v4.1: 473 of 1,614,202 alleles (0.029%); highest among the groups gnomAD compares: African/African-American, 0.59%; 4 homozygotes.

Submissions (3):

Ambry Genetics
Classification: Uncertain significance for Inborn genetic diseases. Last evaluated: 2025-08-20. Review status: criteria provided, single submitter. Criteria: Ambry Variant Classification Scheme 2023. Collection method: clinical testing. Allele origin: germline.

PreventionGenetics, part of Exact Sciences
Classification: Likely benign for SLC24A4-related condition. Last evaluated: 2025-02-09. Review status: criteria provided, single submitter. Criteria: ACMG Guidelines, 2015. Collection method: clinical testing. Allele origin: germline.
Comment: This variant is classified as likely benign based on ACMG/AMP sequence variant interpretation guidelines (Richards et al. 2015 PMID: 25741868, with internal and published modifications).

Labcorp Genetics (formerly Invitae), Labcorp
Classification: Likely benign. Last evaluated: 2019-12-31. Review status: criteria provided, single submitter. Criteria: Invitae Variant Classification Sherloc (09022015). Collection method: clinical testing. Allele origin: germline.

NM_153646.4(SLC24A4):c.1134T>A (p.Asn378Lys)

Gene: SLC24A4 (solute carrier family 24 member 4; plus strand). Cytogenetic location: 14q32.12.
Variant type: single nucleotide variant.
Coding change: c.1134T>A on transcript NM_153646.4 (MANE Select); coding-DNA position 1134, T replaced by A.
Protein change: p.Asn378Lys; replaces asparagine 378 with lysine.
Molecular consequence: missense variant.
Genome position (GRCh38, 1-based): chr14:92,456,487, T>A. VCF-style: chr14-92456487-T-A. GRCh37 (hg19) VCF-style: chr14-92922831-T-A.
Other names: c.1134T>A, p.Asn378Lys (NM_001378620.1); c.1077T>A, p.Asn359Lys (NM_153647.4); c.942T>A, p.Asn314Lys (NM_153648.4); short protein forms N314K, N359K, N378K.
Identifiers: ClinVar variation 721847 (VCV000721847.6), dbSNP rs143075344, ClinGen allele CA7316032.